The following is an entry in ClinVar:

NM_000236.3(LIPC):c.107C>A (p.Ala36Asp)

Gene: LIPC (lipase C, hepatic type; plus strand). Cytogenetic location: 15q21.3.
Variant type: single nucleotide variant.
Coding change: c.107C>A on transcript NM_000236.3 (MANE Select); coding-DNA position 107, C replaced by A.
Protein change: p.Ala36Asp; replaces alanine 36 with aspartic acid.
Molecular consequence: missense variant.
Genome position (GRCh38, 1-based): chr15:58,538,351, C>A. VCF-style: chr15-58538351-C-A. GRCh37 (hg19) VCF-style: chr15-58830550-C-A.
Other names: short protein forms A36D.
Identifiers: ClinVar variation 2795977 (VCV002795977.3), dbSNP rs1184798854, ClinGen allele CA392610680.

ClinVar aggregate classification (germline): Uncertain significance (1 of 4 stars; one submission).

Submission:

Labcorp Genetics (formerly Invitae), Labcorp
Classification: Uncertain significance. Last evaluated: 2023-04-28. Review status: criteria provided, single submitter. Criteria: Invitae Variant Classification Sherloc (09022015). Collection method: clinical testing. Allele origin: germline.
Comment: This sequence change replaces alanine, which is neutral and non-polar, with aspartic acid, which is acidic and polar, at codon 36 of the LIPC protein (p.Ala36Asp). This variant is not present in population databases (gnomAD no frequency). This variant has not been reported in the literature in individuals affected with LIPC-related conditions. An algorithm developed to predict the effect of missense changes on protein structure and function (PolyPhen-2) suggests that this variant is likely to be tolerated. In summary, the available evidence is currently insufficient to determine the role of this variant in disease. Therefore, it has been classified as a Variant of Uncertain Significance.